The following is an entry in ClinVar:

NM_000059.4(BRCA2):c.2955A>T (p.Lys985Asn)

Gene: BRCA2 (BRCA2 DNA repair associated; plus strand). Cytogenetic location: 13q13.1.
Variant type: single nucleotide variant.
Coding change: c.2955A>T on transcript NM_000059.4 (MANE Select); coding-DNA position 2955, A replaced by T.
Protein change: p.Lys985Asn; replaces lysine 985 with asparagine.
Molecular consequence: missense variant.
Genome position (GRCh38, 1-based): chr13:32,337,310, A>T. VCF-style: chr13-32337310-A-T. GRCh37 (hg19) VCF-style: chr13-32911447-A-T.
Other names: short protein forms K985N.
Identifiers: ClinVar variation 1011297 (VCV001011297.10), dbSNP rs1555282971, ClinGen allele CA387774400.

ClinVar aggregate classification (germline): Conflicting classifications of pathogenicity. Review status: criteria provided, conflicting classifications (1 of 4 stars). 2 submissions from 2 submitters: Uncertain significance (1); Likely benign (1). Last evaluated 2023-03-23.

Conditions:
Hereditary cancer-predisposing syndrome. Also called: Tumor predisposition; Hereditary neoplastic syndrome; Neoplastic Syndromes, Hereditary; Hereditary Cancer Syndrome. Identifiers: Orphanet 140162, MedGen C0027672, MeSH D009386, MONDO:0015356.
Hereditary breast ovarian cancer syndrome. Also called: BRCA1- and BRCA2-Associated Hereditary Breast and Ovarian Cancer; Hereditary breast and ovarian cancer; Hereditary breast and ovarian cancer syndrome; Breast and ovarian cancer; Hereditary breast and/or ovarian cancer syndrome; Hereditary breast and ovarian cancer syndrome (HBOC). Identifiers: Orphanet 145, MedGen C0677776, MeSH D061325, MONDO:0003582. Disease mechanism: loss of function.

Submissions (2):

University of Washington Department of Laboratory Medicine, University of Washington
Classification: Likely benign for Hereditary cancer-predisposing syndrome. Last evaluated: 2023-03-23. Review status: criteria provided, single submitter. Criteria: Dines et al. (Genet Med. 2020). Collection method: curation. Allele origin: germline.
Comment: Missense variant in a coldspot region where missense variants are very unlikely to be pathogenic (PMID:31911673).

BRCA2 exon 11 coldspot. Reclassification based on statistical prior probability.

Labcorp Genetics (formerly Invitae), Labcorp
Classification: Uncertain significance for Hereditary breast ovarian cancer syndrome. Last evaluated: 2020-08-27. Review status: criteria provided, single submitter. Criteria: Invitae Variant Classification Sherloc (09022015). Collection method: clinical testing. Allele origin: germline.
Comment: In summary, the available evidence is currently insufficient to determine the role of this variant in disease. Therefore, it has been classified as a Variant of Uncertain Significance. Advanced modeling of protein sequence and biophysical properties (such as structural, functional, and spatial information, amino acid conservation, physicochemical variation, residue mobility, and thermodynamic stability) performed at Invitae indicates that this missense variant is not expected to disrupt BRCA2 protein function. This variant has not been reported in the literature in individuals with BRCA2-related conditions. This variant is not present in population databases (ExAC no frequency). This sequence change replaces lysine with asparagine at codon 985 of the BRCA2 protein (p.Lys985Asn). The lysine residue is weakly conserved and there is a moderate physicochemical difference between lysine and asparagine.